The following is an entry in ClinVar:

NM_006269.2(RP1):c.5236T>C (p.Trp1746Arg)

Genes: RP1 (RP1 axonemal microtubule associated; plus strand), LOC126860392 (CDK7 strongly-dependent group 2 enhancer GRCh37_chr8:55541319-55542518; plus strand). Cytogenetic location: 8q12.1.
Variant type: single nucleotide variant.
Coding change: c.5236T>C on transcript NM_006269.2 (MANE Select); coding-DNA position 5236, T replaced by C.
Protein change: p.Trp1746Arg; replaces tryptophan 1746 with arginine.
Molecular consequence: missense variant. On other transcripts: intron variant (1).
Genome position (GRCh38, 1-based): chr8:54,629,118, T>C. VCF-style: chr8-54629118-T-C. GRCh37 (hg19) VCF-style: chr8-55541678-T-C.
Other names: c.787+6830T>C (NM_001375654.1); short protein forms W1746R.
Identifiers: ClinVar variation 3693950 (VCV003693950.2).

ClinVar aggregate classification (germline): Uncertain significance (1 of 4 stars; one submission).

Submission:

Labcorp Genetics (formerly Invitae), Labcorp
Classification: Uncertain significance. Last evaluated: 2024-09-18. Review status: criteria provided, single submitter. Criteria: Invitae Variant Classification Sherloc (09022015). Collection method: clinical testing. Allele origin: germline.
Comment: This sequence change replaces tryptophan, which is neutral and slightly polar, with arginine, which is basic and polar, at codon 1746 of the RP1 protein (p.Trp1746Arg). This variant is not present in population databases (gnomAD no frequency). This variant has not been reported in the literature in individuals affected with RP1-related conditions. An algorithm developed to predict the effect of missense changes on protein structure and function (PolyPhen-2) suggests that this variant is likely to be disruptive. In summary, the available evidence is currently insufficient to determine the role of this variant in disease. Therefore, it has been classified as a Variant of Uncertain Significance.